The following is an entry in ClinVar:

ClinVar aggregate classification (germline): Uncertain significance (1 of 4 stars; one submission).

Submission:

Labcorp Genetics (formerly Invitae), Labcorp
Classification: Uncertain significance. Last evaluated: 2024-03-04. Review status: criteria provided, single submitter. Criteria: Invitae Variant Classification Sherloc (09022015). Collection method: clinical testing. Allele origin: germline.
Comment: This sequence change falls in intron 1 of the KITLG gene. It does not directly change the encoded amino acid sequence of the KITLG protein. It affects a nucleotide within the consensus splice site. This variant is not present in population databases (gnomAD no frequency). This variant has not been reported in the literature in individuals affected with KITLG-related conditions. Variants that disrupt the consensus splice site are a relatively common cause of aberrant splicing (PMID: 17576681, 9536098). Algorithms developed to predict the effect of sequence changes on RNA splicing suggest that this variant may disrupt the consensus splice site. In summary, the available evidence is currently insufficient to determine the role of this variant in disease. Therefore, it has been classified as a Variant of Uncertain Significance.

Literature cited by the submitters: PubMed 17576681; PubMed 9536098.

NM_000899.5(KITLG):c.16-3T>A

Gene: KITLG (KIT ligand; minus strand). Cytogenetic location: 12q21.32.
Variant type: single nucleotide variant.
Coding change: c.16-3T>A on transcript NM_000899.5 (MANE Select); 3 bases into the intron before coding-DNA position 16, T replaced by A.
Molecular consequence: intron variant.
Genome position (GRCh38, 1-based): chr12:88,545,868, A>T on the plus strand (T>A on the coding strand, the complement: KITLG is on the minus strand). VCF-style: chr12-88545868-A-T. GRCh37 (hg19) VCF-style: chr12-88939645-A-T.
Other names: c.16-3T>A (NM_003994.6).
Identifiers: ClinVar variation 3644495 (VCV003644495.2).